The following is an entry in ClinVar:

ClinVar aggregate classification (germline): Uncertain significance (1 of 4 stars; one submission).

Allele frequency attached by ClinVar (database versions not stated): gnomAD exomes below 0.00001.

Submission:

Labcorp Genetics (formerly Invitae), Labcorp
Classification: Uncertain significance. Last evaluated: 2023-07-17. Review status: criteria provided, single submitter. Criteria: Invitae Variant Classification Sherloc (09022015). Collection method: clinical testing. Allele origin: germline.
Comment: This variant has not been reported in the literature in individuals affected with RGS9BP-related conditions. This sequence change replaces glycine, which is neutral and non-polar, with aspartic acid, which is acidic and polar, at codon 123 of the RGS9BP protein (p.Gly123Asp). This variant is not present in population databases (gnomAD no frequency). An algorithm developed to predict the effect of missense changes on protein structure and function (PolyPhen-2) suggests that this variant is likely to be tolerated. ClinVar contains an entry for this variant (Variation ID: 2096252). In summary, the available evidence is currently insufficient to determine the role of this variant in disease. Therefore, it has been classified as a Variant of Uncertain Significance.

NM_207391.3(RGS9BP):c.368G>A (p.Gly123Asp)

Gene: RGS9BP (regulator of G protein signaling 9 binding protein; plus strand). Cytogenetic location: 19q13.11.
Variant type: single nucleotide variant.
Coding change: c.368G>A on transcript NM_207391.3 (MANE Select); coding-DNA position 368, G replaced by A.
Protein change: p.Gly123Asp; replaces glycine 123 with aspartic acid.
Molecular consequence: missense variant.
Genome position (GRCh38, 1-based): chr19:32,676,631, G>A. VCF-style: chr19-32676631-G-A. GRCh37 (hg19) VCF-style: chr19-33167537-G-A.
Other names: short protein forms G123D.
Identifiers: ClinVar variation 2096252 (VCV002096252.4), dbSNP rs1260025254, ClinGen allele CA405186555.